The following is an entry in ClinVar:

NM_001374353.1(GLI2):c.4603A>T (p.Thr1535Ser)

Gene: GLI2 (GLI family zinc finger 2; plus strand). Cytogenetic location: 2q14.2.
Variant type: single nucleotide variant.
Coding change: c.4603A>T on transcript NM_001374353.1 (MANE Select); coding-DNA position 4603, A replaced by T.
Protein change: p.Thr1535Ser; replaces threonine 1535 with serine.
Molecular consequence: missense variant.
Genome position (GRCh38, 1-based): chr2:120,990,568, A>T. VCF-style: chr2-120990568-A-T. GRCh37 (hg19) VCF-style: chr2-121748144-A-T.
Other names: c.4654A>T, p.Thr1552Ser (NM_001371271.1, NM_005270.5); c.4228A>T, p.Thr1410Ser (NM_001374354.1); short protein forms T1552S, T1535S, T1410S.
Identifiers: ClinVar variation 374267 (VCV000374267.2), dbSNP rs1057518657, ClinGen allele CA16043648.

ClinVar aggregate classification (germline): Likely pathogenic (0 of 4 stars; one submission).

Conditions:
Holoprosencephaly 9 (HPE9). Also called: HOLOPROSENCEPHALY WITH MICROPHTHALMIA AND FIRST BRANCHIAL ARCH ANOMALIES; PITUITARY ANOMALIES WITH HOLOPROSENCEPHALY-LIKE FEATURES. Identifiers: Orphanet 2162, MedGen C1835819, MONDO:0012563, OMIM 610829.

Submission:

Baylor Genetics
Classification: Likely pathogenic for Holoprosencephaly 9. Last evaluated: 2015-03-13. Review status: no assertion criteria provided. Collection method: clinical testing. Allele origin: de novo. Inheritance: Autosomal dominant inheritance. Affected: yes. Observed: 1 variant allele, 1 heterozygote.